The following is an entry in ClinVar:

ClinVar aggregate classification (germline): Uncertain significance (1 of 4 stars; one submission).

Conditions:
Glycogen storage disease, type I. Identifiers: Orphanet 364, MedGen C0017920, MONDO:0002413.

Submission:

Myriad Genetics, Inc.
Classification: Uncertain significance for Glycogen storage disease, type I. Last evaluated: 2025-12-10. Review status: criteria provided, single submitter. Criteria: Myriad Autosomal Dominant, Autosomal Recessive and X-Linked Classification Criteria (2023). Collection method: clinical testing. Allele origin: unknown.
Comment: NM_001164277.1(SLC37A4):c.104T>A(M35K) is a missense variant classified as a variant of uncertain significance in the context of glycogen storage disease type Ib. M35K has not been observed in cases with relevant disease. Relevant functional assessments of this variant are not available in the literature. M35K has not been observed in referenced population frequency databases. In summary, there is insufficient evidence to classify NM_001164277.1(SLC37A4):c.104T>A(M35K) as pathogenic or benign. Please note: this variant was assessed in the context of healthy population screening.

NM_001164277.2(SLC37A4):c.104T>A (p.Met35Lys)

Gene: SLC37A4 (solute carrier family 37 member 4; minus strand). Cytogenetic location: 11q23.3.
Variant type: single nucleotide variant.
Coding change: c.104T>A on transcript NM_001164277.2 (MANE Select); coding-DNA position 104, T replaced by A.
Protein change: p.Met35Lys; replaces methionine 35 with lysine.
Molecular consequence: missense variant. On other transcripts: intron variant (1).
Genome position (GRCh38, 1-based): chr11:119,029,266, A>T on the plus strand (T>A on the coding strand, the complement: SLC37A4 is on the minus strand). VCF-style: chr11-119029266-A-T. GRCh37 (hg19) VCF-style: chr11-118899976-A-T.
Other names: c.104T>A, p.Met35Lys (NM_001164278.2, NM_001164280.2, NM_001467.6); c.-172+126T>A (NM_001164279.2); short protein forms M35K.
Identifiers: ClinVar variation 5004324 (VCV005004324.1).